The following is an entry in ClinVar:

Conditions:
Breast-ovarian cancer, familial, susceptibility to, 1 (BROVCA1). Also called: BRCA1 Hereditary Breast and Ovarian Cancer; OVARIAN CANCER, SUSCEPTIBILITY TO. Identifiers: Orphanet 145, MedGen C2676676, MONDO:0011450, OMIM 604370. Disease mechanism: loss of function.

Submission:

Brotman Baty Institute, University of Washington
No classification provided (evidence only). Condition: Breast-ovarian cancer, familial 1. Review status: no classification provided. Collection method: in vitro. Allele origin: not applicable. Functional consequence: functionally_normal.
ClinVar note: "not provided" was previously submitted as the classification for the variant. However, the classification appeared to be based only on an observation of functional data so it was converted to no classification on 2025-07-30.

NM_007294.4(BRCA1):c.5518G>C (p.Asp1840His)

Gene: BRCA1 (BRCA1 DNA repair associated; minus strand). Cytogenetic location: 17q21.31.
Variant type: single nucleotide variant.
Coding change: c.5518G>C on transcript NM_007294.4 (MANE Select); coding-DNA position 5518, G replaced by C.
Protein change: p.Asp1840His; replaces aspartic acid 1840 with histidine.
Molecular consequence: missense variant. On other transcripts: 3 prime UTR variant (1), non-coding transcript variant (1).
Genome position (GRCh38, 1-based): chr17:43,045,752, C>G on the plus strand (G>C on the coding strand, the complement: BRCA1 is on the minus strand). VCF-style: chr17-43045752-C-G. GRCh37 (hg19) VCF-style: chr17-41197769-C-G.
Other names: c.5371G>C, p.Asp1791His (NM_001407844.1, NM_001407845.1, NM_001407846.1 and 12 more transcripts); c.2068G>C, p.Asp690His (NM_001408456.1, NM_001408457.1, NM_001408452.1 and 3 more transcripts); c.2065G>C, p.Asp689His (NM_001408458.1, NM_001408459.1, NM_001408460.1 and 7 more transcripts); c.5515G>C, p.Asp1839His (NM_001407615.1, NM_001407616.1, NM_001407617.1 and 14 more transcripts); c.5512G>C, p.Asp1838His (NM_001407634.1, NM_001407635.1, NM_001407636.1 and 13 more transcripts); c.5509G>C, p.Asp1837His (NM_001407644.1, NM_001407645.1); c.5437G>C, p.Asp1813His (NM_001407656.1, NM_001407657.1, NM_001407658.1); c.5434G>C, p.Asp1812His (NM_001407659.1, NM_001407660.1, NM_001407661.1 and 2 more transcripts); and 74 more; short protein forms D1861H, D1793H, D1840H, D736H, D1543H, D1711H, D1712H, D1728H.
Identifiers: ClinVar variation 867620 (VCV000867620.3), dbSNP rs1567756588, ClinGen allele CA10590284.